The following is an entry in ClinVar:

NM_014363.6(SACS):c.13415G>A (p.Trp4472Ter)

Gene: SACS (sacsin molecular chaperone; minus strand). Cytogenetic location: 13q12.12.
Variant type: single nucleotide variant.
Coding change: c.13415G>A on transcript NM_014363.6 (MANE Select); coding-DNA position 13415, G replaced by A.
Protein change: p.Trp4472Ter; replaces tryptophan 4472 with a stop codon.
Molecular consequence: nonsense.
Genome position (GRCh38, 1-based): chr13:23,330,461, C>T on the plus strand (G>A on the coding strand, the complement: SACS is on the minus strand). VCF-style: chr13-23330461-C-T. GRCh37 (hg19) VCF-style: chr13-23904600-C-T.
Other names: c.12974G>A, p.Trp4325Ter (NM_001278055.2); short protein forms W4472*, W4325*.
Identifiers: ClinVar variation 2826487 (VCV002826487.3), dbSNP rs2542138331, ClinGen allele CA387505312.
Genomic context (GRCh38, chr13:23,330,461, plus strand): 5'-ACAGCATAGTCAGCTGCAATCAAAGCTAACTTGGTAGAAAGGTAACATTTAAAGCACACC[C>T]ACTCATTGGCATTTTTATGAAGGTCATTCCTGGCAGCTGAGAAGTTTGCTCTGGCTTGTC-3'

ClinVar aggregate classification (germline): Pathogenic (1 of 4 stars; one submission).

Conditions:
Spastic paraplegia. Identifiers: MedGen C0037772, HP:0001258.

Submission:

Labcorp Genetics (formerly Invitae), Labcorp
Classification: Pathogenic for Spastic paraplegia. Last evaluated: 2023-01-06. Review status: criteria provided, single submitter. Criteria: Invitae Variant Classification Sherloc (09022015). Collection method: clinical testing. Allele origin: germline.
Comment: For these reasons, this variant has been classified as Pathogenic. This variant disrupts a region of the SACS protein in which other variant(s) (p.Asn4549Asp) have been determined to be pathogenic (PMID: 15156359, 21507954). This suggests that this is a clinically significant region of the protein, and that variants that disrupt it are likely to be disease-causing. This variant has not been reported in the literature in individuals affected with SACS-related conditions. This variant is not present in population databases (gnomAD no frequency). This sequence change creates a premature translational stop signal (p.Trp4472*) in the SACS gene. While this is not anticipated to result in nonsense mediated decay, it is expected to disrupt the last 108 amino acid(s) of the SACS protein.

Literature cited by the submitters: PubMed 15156359; PubMed 21507954.